The following is an entry in ClinVar:

NM_019014.6(POLR1B):c.2061_2063dup (p.Tyr687_Gln688insHis)

Gene: POLR1B (RNA polymerase I subunit B; plus strand). Cytogenetic location: 2q14.1.
Variant type: Duplication.
Coding change: c.2061_2063dup on transcript NM_019014.6 (MANE Select); coding-DNA positions 2061 to 2063, 3 bases duplicated (CCA; older notation c.2061_2063dupCCA).
Protein change: p.Tyr687_Gln688insHis.
Molecular consequence: inframe insertion.
Genome position (GRCh38, 1-based): chr2:112,568,889-112,568,891, CCA duplicated; duplicating any 3 consecutive bases within chr2:112,568,888-112,568,891 gives the same sequence; the c. name uses the placement nearest the transcript's 3' end. VCF-style (leftmost placement, unchanged base first): chr2-112568887-T-TACC. GRCh37 (hg19) VCF-style: chr2-113326464-T-TACC.
Other names: c.1893_1895dup, p.Tyr631_Gln632insHis (NM_001137604.3); c.2175_2177dup, p.Tyr725_Gln726insHis (NM_001282772.2); c.1512_1514dup, p.Tyr504_Gln505insHis (NM_001282774.2); c.1428_1430dup, p.Tyr476_Gln477insHis (NM_001282776.2, NM_001371971.1); c.1644_1646dup, p.Tyr548_Gln549insHis (NM_001282777.2, NM_001282779.2, NM_001371970.1); c.2199_2201dup, p.Tyr733_Gln734insHis (NM_001371969.1).
Identifiers: ClinVar variation 4293925 (VCV004293925.1).
Genomic context (GRCh38, chr2:112,568,887, plus strand): 5'-CTGAGTGTGATTGCCAACTTCATCCCTTTCTCTGATCACAACCAGAGTCCACGGAACATG[T>TACC]ACCAATGCCAGATGGGTAAGGAAGAGGGATGATGTTACAGTCACAATCAGGAAAGTAAAC-3'

ClinVar aggregate classification (germline): Uncertain significance (1 of 4 stars; one submission).

Conditions:
Treacher Collins syndrome 4. Identifiers: MedGen C5394546, MONDO:0030067, OMIM 618939.

Submission:

3billion
Classification: Uncertain significance for Treacher Collins syndrome 4. Last evaluated: 2025-01-30. Review status: criteria provided, single submitter. Criteria: ACMG Guidelines, 2015. Collection method: clinical testing. Allele origin: germline. Affected: yes.
Comment: The variant is not observed in the gnomAD v4.1.0 dataset. Predicted Consequence/Location: Inframe insertion located in a nonrepeat region: predicted to change the length of the protein and disrupt normal protein function. Therefore, this variant is classified as VUS according to the recommendation of ACMG/AMP guideline.